The following is an entry in ClinVar:

NM_001127392.3(MYRF):c.1865C>T (p.Ala622Val)

Gene: MYRF (myelin regulatory factor; plus strand). Cytogenetic location: 11q12.2.
Variant type: single nucleotide variant.
Coding change: c.1865C>T on transcript NM_001127392.3 (MANE Select); coding-DNA position 1865, C replaced by T.
Protein change: p.Ala622Val; replaces alanine 622 with valine.
Molecular consequence: missense variant.
Genome position (GRCh38, 1-based): chr11:61,777,807, C>T. VCF-style: chr11-61777807-C-T. GRCh37 (hg19) VCF-style: chr11-61545279-C-T.
Other names: c.1838C>T, p.Ala613Val (NM_013279.4); short protein forms A613V, A622V.
Identifiers: ClinVar variation 5019537 (VCV005019537.2).

ClinVar aggregate classification (germline): Uncertain significance (1 of 4 stars; one submission).

Conditions:
Cardiac-urogenital syndrome (CUGS). Also called: MYRF-Related Cardiac Urogenital Syndrome. Identifiers: Orphanet 647811, MedGen C4748946, MONDO:0032653, OMIM 618280.
Encephalitis/encephalopathy, mild, with reversible myelin vacuolization. Also called: ENCEPHALITIS/ENCEPHALOPATHY, MILD, WITH REVERSIBLE SPLENIAL LESION. Identifiers: MedGen C4722446, MONDO:0020853, OMIM 618113.
Nanophthalmos 1 (TMEM98). Also called: MICROPHTHALMOS, SIMPLE, AUTOSOMAL DOMINANT; NANOPHTHALMIA 1; NANOPHTHALMOS WITH HIGH HYPEROPIA AND ANGLE-CLOSURE GLAUCOMA; NANOPHTHALMOS, AUTOSOMAL DOMINANT; NNO1. Identifiers: Orphanet 35612, MedGen C1838502, MONDO:0010836, OMIM 600165.

Submission:

Juno Genomics, Hangzhou Juno Genomics, Inc
Classification: Uncertain significance for Cardiac-urogenital syndrome; Encephalitis/encephalopathy, mild, with reversible myelin vacuolization; Nanophthalmos 1. Review status: criteria provided, single submitter. Criteria: ACMG Guidelines, 2015. Collection method: clinical testing. Allele origin: germline.
Comment: Absent from controls (or at extremely low frequency if recessive) in Genome Aggregation Database.;Missense variant in a gene that has a low rate of benign missense variation.